The following is an entry in ClinVar:

ClinVar aggregate classification (germline): Uncertain significance (1 of 4 stars; one submission).

Allele frequency attached by ClinVar (database versions not stated): gnomAD exomes below 0.00001; TOPMed below 0.00001; ExAC 0.00001.
gnomAD v4.1: 4 of 1,613,982 alleles (0.00025%); highest among the groups gnomAD compares: Non-Finnish European, 0.00034%; no homozygotes.

Submission:

Labcorp Genetics (formerly Invitae), Labcorp
Classification: Uncertain significance. Last evaluated: 2022-07-19. Review status: criteria provided, single submitter. Criteria: Invitae Variant Classification Sherloc (09022015). Collection method: clinical testing. Allele origin: germline.
Comment: In summary, the available evidence is currently insufficient to determine the role of this variant in disease. Therefore, it has been classified as a Variant of Uncertain Significance. Algorithms developed to predict the effect of missense changes on protein structure and function output the following: SIFT: "Tolerated"; PolyPhen-2: "Benign"; Align-GVGD: "Class C0". The isoleucine amino acid residue is found in multiple mammalian species, which suggests that this missense change does not adversely affect protein function. This variant has not been reported in the literature in individuals affected with REST-related conditions. This variant is not present in population databases (gnomAD no frequency). This sequence change replaces methionine, which is neutral and non-polar, with isoleucine, which is neutral and non-polar, at codon 779 of the REST protein (p.Met779Ile).

NM_005612.5(REST):c.2337G>A (p.Met779Ile)

Gene: REST (RE1 silencing transcription factor; plus strand). Cytogenetic location: 4q12.
Variant type: single nucleotide variant.
Coding change: c.2337G>A on transcript NM_005612.5 (MANE Select); coding-DNA position 2337, G replaced by A.
Protein change: p.Met779Ile; replaces methionine 779 with isoleucine.
Molecular consequence: missense variant.
Genome position (GRCh38, 1-based): chr4:56,931,195, G>A. VCF-style: chr4-56931195-G-A. GRCh37 (hg19) VCF-style: chr4-57797361-G-A.
Other names: c.2337G>A, p.Met779Ile (NM_001193508.2, NM_001363453.3); short protein forms M779I.
Identifiers: ClinVar variation 2186418 (VCV002186418.4), dbSNP rs756848835, ClinGen allele CA2932461.